The following is an entry in ClinVar:

NM_000492.4(CFTR):c.3874-1142C>T

Gene: CFTR (CF transmembrane conductance regulator; plus strand). Cytogenetic location: 7q31.2.
Variant type: single nucleotide variant.
Coding change: c.3874-1142C>T on transcript NM_000492.4 (MANE Select); 1142 bases into the intron before coding-DNA position 3874, C replaced by T.
Molecular consequence: intron variant.
Genome position (GRCh38, 1-based): chr7:117,651,700, C>T. VCF-style: chr7-117651700-C-T. GRCh37 (hg19) VCF-style: chr7-117291754-C-T.
Identifiers: ClinVar variation 4280081 (VCV004280081.1).

ClinVar aggregate classification (germline): Uncertain significance (1 of 4 stars; one submission).

Conditions:
Cystic fibrosis (CF). Also called: MUCOVISCIDOSIS. Identifiers: Orphanet 586, MedGen C0010674, MONDO:0009061, OMIM 219700. Disease mechanism: loss of function.

Submission:

Johns Hopkins Genomics, Johns Hopkins University
Classification: Uncertain significance for Cystic fibrosis. Last evaluated: 2025-04-29. Review status: criteria provided, single submitter. Criteria: ACMG Guidelines, 2015. Collection method: clinical testing. Allele origin: germline.
Comment: The clinical significance of this variant is uncertain (PM2, BP4).